The following is an entry in ClinVar:

NM_001035.3(RYR2):c.7260G>A (p.Arg2420=)

Gene: RYR2 (ryanodine receptor 2; plus strand). Cytogenetic location: 1q43.
Variant type: single nucleotide variant.
Coding change: c.7260G>A on transcript NM_001035.3 (MANE Select); coding-DNA position 7260, G replaced by A.
Protein change: p.Arg2420=; no amino-acid change (arginine 2420 retained).
Molecular consequence: synonymous variant.
Genome position (GRCh38, 1-based): chr1:237,643,365, G>A. VCF-style: chr1-237643365-G-A. GRCh37 (hg19) VCF-style: chr1-237806665-G-A.
Identifiers: ClinVar variation 794529 (VCV000794529.16), dbSNP rs771684537, ClinGen allele CA087344.

ClinVar aggregate classification (germline): Likely benign. Review status: criteria provided, multiple submitters, no conflicts (2 of 4 stars). 4 submissions from 4 submitters: Likely benign (4). Last evaluated 2024-06-27.

Conditions:
Catecholaminergic polymorphic ventricular tachycardia (CVPT). Also called: Catecholamine-induced polymorphic ventricular tachycardia. Identifiers: Orphanet 3286, MedGen C5574922, MONDO:0017990.
Cardiomyopathy (CMYO). Also called: Cardiomyopathies. Identifiers: Orphanet 167848, MedGen C0878544, MONDO:0004994, HP:0001638. Inheritance: Various modes of inheritance.
Catecholaminergic polymorphic ventricular tachycardia 1. Also called: VENTRICULAR TACHYCARDIA, CATECHOLAMINERGIC POLYMORPHIC, 1, WITH OR WITHOUT ATRIAL DYSFUNCTION AND/OR DILATED CARDIOMYOPATHY; VENTRICULAR TACHYCARDIA, STRESS-INDUCED POLYMORPHIC 1; RYR2-Related Catecholaminergic Polymorphic Ventricular Tachycardia. Identifiers: Orphanet 3286, MedGen C1631597, MONDO:0011484, OMIM 604772.
Cardiovascular phenotype. Identifiers: MedGen CN230736.

Allele frequency attached by ClinVar (database versions not stated): ExAC 0.00001; gnomAD exomes 0.00001.
gnomAD v4.1: 12 of 1,613,700 alleles (0.00074%); highest among the groups gnomAD compares: Non-Finnish European, 0.001%; no homozygotes.

Submissions (4):

Labcorp Genetics (formerly Invitae), Labcorp
Classification: Likely benign for Catecholaminergic polymorphic ventricular tachycardia 1. Last evaluated: 2024-06-27. Review status: criteria provided, single submitter. Criteria: Invitae Variant Classification Sherloc (09022015). Collection method: clinical testing. Allele origin: germline.

All of Us Research Program, National Institutes of Health
Classification: Likely benign for Catecholaminergic polymorphic ventricular tachycardia. Last evaluated: 2024-06-10. Review status: criteria provided, single submitter. Criteria: ACMG Guidelines, 2015. Collection method: clinical testing. Allele origin: germline. Inheritance: Autosomal dominant inheritance. Observed: 1 variant allele, 1 heterozygote.
Comment: This study involves interpretation of variants in research participants for the purpose of population health screening. Participant phenotype was not available at the time of variant classification. Additional details can be found in publication PMID: 35346344, PMCID: PMC8962531

Color Diagnostics, LLC DBA Color Health
Classification: Likely benign for Cardiomyopathy. Last evaluated: 2022-05-06. Review status: criteria provided, single submitter. Criteria: ACMG Guidelines, 2015. Collection method: clinical testing. Allele origin: germline.

Ambry Genetics
Classification: Likely benign for Cardiovascular phenotype. Last evaluated: 2020-12-21. Review status: criteria provided, single submitter. Criteria: Ambry Variant Classification Scheme 2023. Collection method: clinical testing. Allele origin: germline.